The following is an entry in ClinVar:

ClinVar aggregate classification (germline): Uncertain significance (1 of 4 stars; one submission).

Submission:

GeneDx
Classification: Uncertain significance. Last evaluated: 2025-04-14. Review status: criteria provided, single submitter. Criteria: GeneDx Variant Classification Process June 2021. Collection method: clinical testing. Allele origin: germline. Affected: yes.
Comment: Not observed at significant frequency in large population cohorts (gnomAD); In silico analysis supports that this missense variant has a deleterious effect on protein structure/function; Has not been previously published as pathogenic or benign to our knowledge

NM_006267.5(RANBP2):c.6770T>C (p.Leu2257Pro)

Gene: RANBP2 (RAN binding protein 2; plus strand). Cytogenetic location: 2q13.
Variant type: single nucleotide variant.
Coding change: c.6770T>C on transcript NM_006267.5 (MANE Select); coding-DNA position 6770, T replaced by C.
Protein change: p.Leu2257Pro; replaces leucine 2257 with proline.
Molecular consequence: missense variant.
Genome position (GRCh38, 1-based): chr2:108,767,309, T>C. VCF-style: chr2-108767309-T-C. GRCh37 (hg19) VCF-style: chr2-109383765-T-C.
Other names: c.6770T>C, p.Leu2257Pro (NM_001415871.1, NM_001415873.1); c.6767T>C, p.Leu2256Pro (NM_001415872.1); short protein forms L2256P, L2257P.
Identifiers: ClinVar variation 4282357 (VCV004282357.1).